The following is an entry in ClinVar:

NM_001377.3(DYNC2H1):c.6466G>A (p.Val2156Ile)

Gene: DYNC2H1 (dynein cytoplasmic 2 heavy chain 1; plus strand). Cytogenetic location: 11q22.3.
Variant type: single nucleotide variant.
Coding change: c.6466G>A on transcript NM_001377.3 (MANE Select); coding-DNA position 6466, G replaced by A.
Protein change: p.Val2156Ile; replaces valine 2156 with isoleucine.
Molecular consequence: missense variant.
Genome position (GRCh38, 1-based): chr11:103,181,875, G>A. VCF-style: chr11-103181875-G-A. GRCh37 (hg19) VCF-style: chr11-103052604-G-A.
Other names: c.6466G>A, p.Val2156Ile (NM_001080463.2); short protein forms V2156I.
Identifiers: ClinVar variation 2083090 (VCV002083090.1), dbSNP rs2496257076, ClinGen allele CA382248758.

ClinVar aggregate classification (germline): Uncertain significance (1 of 4 stars; one submission).

Conditions:
Jeune thoracic dystrophy. Also called: Jeune syndrome; Infantile thoracic dystrophy; Thoracic pelvic phalangeal dystrophy; Jeune's syndrome; Chondroectodermal dysplasia-like syndrome; Short-rib thoracic dysplasia. Identifiers: Orphanet 474, MedGen C0265275, MONDO:0018770.

Allele frequency attached by ClinVar (database versions not stated): gnomAD exomes below 0.00001.
gnomAD v4.1: 1 of 1,604,554 alleles (0.000062%); highest among the groups gnomAD compares: South Asian, 0.0011%; no homozygotes.

Submission:

Labcorp Genetics (formerly Invitae), Labcorp
Classification: Uncertain significance for Jeune thoracic dystrophy. Last evaluated: 2022-05-28. Review status: criteria provided, single submitter. Criteria: Invitae Variant Classification Sherloc (09022015). Collection method: clinical testing. Allele origin: germline.
Comment: This sequence change replaces valine, which is neutral and non-polar, with isoleucine, which is neutral and non-polar, at codon 2156 of the DYNC2H1 protein (p.Val2156Ile). This variant is not present in population databases (gnomAD no frequency). This variant has not been reported in the literature in individuals affected with DYNC2H1-related conditions. Advanced modeling of protein sequence and biophysical properties (such as structural, functional, and spatial information, amino acid conservation, physicochemical variation, residue mobility, and thermodynamic stability) performed at Invitae indicates that this missense variant is not expected to disrupt DYNC2H1 protein function. In summary, the available evidence is currently insufficient to determine the role of this variant in disease. Therefore, it has been classified as a Variant of Uncertain Significance.